The following is an entry in ClinVar:

ClinVar aggregate classification (germline): Uncertain significance (1 of 4 stars; one submission).

Conditions:
Familial thoracic aortic aneurysm and aortic dissection (TAAD). Also called: Thoracic aortic aneurysms and dissections. Identifiers: Orphanet 91387, MedGen C4707243, MONDO:0019625.

Submission:

Color Diagnostics, LLC DBA Color Health
Classification: Uncertain significance for Familial thoracic aortic aneurysm and aortic dissection. Last evaluated: 2025-09-01. Review status: criteria provided, single submitter. Criteria: ACMG Guidelines, 2015. Collection method: clinical testing. Allele origin: germline.
Comment: This variant is located in the MYH11 protein. To our knowledge, functional studies have not been reported for this variant. This variant has not been reported in individuals affected with MYH11-related disorders in the literature. This variant has not been identified in the general population by the Genome Aggregation Database (gnomAD). The available evidence is insufficient to determine the role of this variant in disease conclusively. Therefore, this variant is classified as a Variant of Uncertain Significance.

NM_002474.3(MYH11):c.5082G>A (p.Glu1694=)

Genes: NDE1 (nudE neurodevelopment protein 1; plus strand), MYH11 (myosin heavy chain 11; minus strand). Cytogenetic location: 16p13.11.
Variant type: single nucleotide variant.
Coding change: c.5082G>A on transcript NM_002474.3 (MANE Select); coding-DNA position 5082, G replaced by A.
Protein change: p.Glu1694=; no amino-acid change (glutamic acid 1694 retained).
Molecular consequence: synonymous variant. On other transcripts: intron variant (2).
Genome position (GRCh38, 1-based): chr16:15,719,585, C>T on the plus strand (G>A on the coding strand, the complement: MYH11 is on the minus strand). VCF-style: chr16-15719585-C-T. GRCh37 (hg19) VCF-style: chr16-15813442-C-T.
Other names: c.5103G>A, p.Glu1701= (NM_001040113.2, NM_001040114.2); c.5082G>A, p.Glu1694= (NM_022844.3); c.948-4606C>T (NM_001143979.2, NM_017668.3).
Identifiers: ClinVar variation 4756174 (VCV004756174.1).